The following is an entry in ClinVar:

NM_014413.4(EIF2AK1):c.270G>A (p.Val90=)

Gene: EIF2AK1 (eukaryotic translation initiation factor 2 alpha kinase 1; minus strand). Cytogenetic location: 7p22.1.
Variant type: single nucleotide variant.
Coding change: c.270G>A on transcript NM_014413.4 (MANE Select); coding-DNA position 270, G replaced by A.
Protein change: p.Val90=; no amino-acid change (valine 90 retained).
Molecular consequence: synonymous variant.
Genome position (GRCh38, 1-based): chr7:6,054,553, C>T on the plus strand (G>A on the coding strand, the complement: EIF2AK1 is on the minus strand). VCF-style: chr7-6054553-C-T. GRCh37 (hg19) VCF-style: chr7-6094184-C-T.
Other names: c.270G>A, p.Val90= (NM_001134335.2).
Identifiers: ClinVar variation 4779587 (VCV004779587.1).
Genomic context (GRCh38, chr7:6,054,553, plus strand): 5'-GGAGCCCAGCCTTTACAAGCTTTATTTAGCAAGATTCATTTATTCTTACTTACGCTTAAA[C>T]ACCTGTCTTGAACGAAGTGGGTTTGGTTCATGCACGTGGCTCAAGTGCTCCAGCAAAGAA-3'
Protein context (NP_055228.2, residues 80-100): HEPNPLRSRQ[Val90=]FKLLCQTFIK

ClinVar aggregate classification (germline): Uncertain significance (1 of 4 stars; one submission).

gnomAD v4.1: 2 of 1,613,934 alleles (0.00012%); highest among the groups gnomAD compares: Non-Finnish European, 0.00017%; no homozygotes.

Submission:

Labcorp Genetics (formerly Invitae), Labcorp
Classification: Uncertain significance. Last evaluated: 2025-02-12. Review status: criteria provided, single submitter. Criteria: Invitae Variant Classification Sherloc (09022015). Collection method: clinical testing. Allele origin: germline.
Comment: This sequence change affects codon 90 of the EIF2AK1 mRNA. It is a 'silent' change, meaning that it does not change the encoded amino acid sequence of the EIF2AK1 protein. This variant is present in population databases (no rsID available, gnomAD 0.0009%). This variant has not been reported in the literature in individuals affected with EIF2AK1-related conditions. Algorithms developed to predict the effect of sequence changes on RNA splicing suggest that this variant may create or strengthen a splice site. In summary, the available evidence is currently insufficient to determine the role of this variant in disease. Therefore, it has been classified as a Variant of Uncertain Significance.